The following is an entry in ClinVar:

ClinVar aggregate classification (germline): Benign/Likely benign. Review status: criteria provided, multiple submitters, no conflicts (2 of 4 stars). 4 submissions from 4 submitters: Benign (2); Likely benign (2). Last evaluated 2026-04-01.

Conditions:
Palmoplantar keratoderma-esophageal carcinoma syndrome (TOC). Also called: Tylosis with Esophageal Cancer; KERATOSIS PALMARIS ET PLANTARIS WITH ESOPHAGEAL CANCER; PALMOPLANTAR KERATODERMA WITH ESOPHAGEAL CANCER. Identifiers: Orphanet 2198, MedGen C1835664, MONDO:0007856, OMIM 148500.

Allele frequency attached by ClinVar (database versions not stated): gnomAD 0.00016 and 0.00037; ESP Exome Variant Server 0.00023; TOPMed 0.00025; gnomAD exomes 0.00060 and 0.00126; ExAC 0.00168; 1000 Genomes Project 30x 0.00187; 1000 Genomes Project 0.00200.
gnomAD v4.1: 945 of 1,608,142 alleles (0.059%); highest among the groups gnomAD compares: South Asian, 0.7%; 15 homozygotes.

Submissions (4):

CeGaT Center for Human Genetics Tuebingen
Classification: Likely benign. Last evaluated: 2026-04-01. Review status: criteria provided, single submitter. Criteria: CeGaT Center For Human Genetics Tuebingen Variant Classification Criteria Version 2. Collection method: clinical testing. Allele origin: germline. Affected: yes. Observed: 2 variant alleles.
Comment: RHBDF2: BP4, BS2

Labcorp Genetics (formerly Invitae), Labcorp
Classification: Benign. Last evaluated: 2025-09-08. Review status: criteria provided, single submitter. Criteria: Invitae Variant Classification Sherloc (09022015). Collection method: clinical testing. Allele origin: germline.

KCCC/NGS Laboratory, Kuwait Cancer Control Center
Classification: Likely benign for Palmoplantar keratoderma-esophageal carcinoma syndrome. Last evaluated: 2023-07-07. Review status: criteria provided, single submitter. Criteria: ACMG Guidelines, 2015. Collection method: clinical testing. Allele origin: germline. Affected: yes.

Illumina Laboratory Services, Illumina
Classification: Benign for Palmoplantar keratoderma-esophageal carcinoma syndrome. Last evaluated: 2018-01-12. Review status: criteria provided, single submitter. Criteria: ICSL Variant Classification Criteria 13 December 2019. Collection method: clinical testing. Allele origin: germline.
Comment: This variant was observed in the ICSL laboratory as part of a predisposition screen in an ostensibly healthy population. It had not been previously curated by ICSL or reported in the Human Gene Mutation Database (HGMD: prior to June 1st, 2018), and was therefore a candidate for classification through an automated scoring system. Utilizing variant allele frequency, disease prevalence and penetrance estimates, and inheritance mode, an automated score was calculated to assess if this variant is too frequent to cause the disease. Based on the score and internal cut-off values, a variant classified as benign is not then subjected to further curation. The score for this variant resulted in a classification of benign for this disease.

NM_001005498.4(RHBDF2):c.314G>A (p.Gly105Glu)

Gene: RHBDF2 (rhomboid 5 homolog 2; minus strand). Cytogenetic location: 17q25.1.
Variant type: single nucleotide variant.
Coding change: c.314G>A on transcript NM_001005498.4 (MANE Select); coding-DNA position 314, G replaced by A.
Protein change: p.Gly105Glu; replaces glycine 105 with glutamic acid.
Molecular consequence: missense variant. On other transcripts: non-coding transcript variant (3).
Genome position (GRCh38, 1-based): chr17:76,479,236, C>T on the plus strand (G>A on the coding strand, the complement: RHBDF2 is on the minus strand). VCF-style: chr17-76479236-C-T. GRCh37 (hg19) VCF-style: chr17-74475318-C-T.
Other names: c.314G>A, p.Gly105Glu (NM_001376228.1, NM_001376229.1, NM_001376230.1); c.401G>A, p.Gly134Glu (NM_024599.5); short protein forms G134E, G105E.
Identifiers: ClinVar variation 325462 (VCV000325462.33), dbSNP rs142642633, ClinGen allele CA8787377.